The following is an entry in ClinVar:

NM_001277115.2(DNAH11):c.12196-2A>G

Gene: DNAH11 (dynein axonemal heavy chain 11; plus strand). Cytogenetic location: 7p15.3.
Variant type: single nucleotide variant.
Coding change: c.12196-2A>G on transcript NM_001277115.2 (MANE Select); the canonical splice acceptor site of the intron before coding-DNA position 12196, A replaced by G.
Molecular consequence: splice acceptor variant.
Genome position (GRCh38, 1-based): chr7:21,880,700, A>G. VCF-style: chr7-21880700-A-G. GRCh37 (hg19) VCF-style: chr7-21920318-A-G.
Identifiers: ClinVar variation 454648 (VCV000454648.7), dbSNP rs1554291973, ClinGen allele CA366963833.

ClinVar aggregate classification (germline): Pathogenic (1 of 4 stars; one submission).

Conditions:
Primary ciliary dyskinesia. Also called: Ciliary dyskinesia. Identifiers: Orphanet 244, MedGen C0008780, MONDO:0016575, HP:0012265.

Allele frequency attached by ClinVar (database versions not stated): gnomAD exomes below 0.00001; TOPMed below 0.00001.
gnomAD v4.1: 1 of 1,613,228 alleles (0.000062%); highest among the groups gnomAD compares: Non-Finnish European, 0.000085%; no homozygotes.

Submission:

Labcorp Genetics (formerly Invitae), Labcorp
Classification: Pathogenic for Primary ciliary dyskinesia. Last evaluated: 2017-07-10. Review status: criteria provided, single submitter. Criteria: Invitae Variant Classification Sherloc (09022015). Collection method: clinical testing. Allele origin: germline.
Comment: For these reasons, this variant has been classified as Pathogenic. Donor and acceptor splice site variants typically lead to a loss of protein function (PMID: 16199547), and loss-of-function variants in DNAH11 are known to be pathogenic (PMID: 18022865, 20513915, 22184204). This variant has not been reported in the literature in individuals with DNAH11-related disease. This variant is not present in population databases (ExAC no frequency). This sequence change affects an acceptor splice site in intron 74 of the DNAH11 gene. It is expected to disrupt RNA splicing and likely results in an absent or disrupted protein product.

Literature cited by the submitters: PubMed 16199547; PubMed 18022865; PubMed 20513915; PubMed 22184204.